The following is an entry in ClinVar:

ClinVar aggregate classification (germline): Likely benign. Review status: criteria provided, multiple submitters, no conflicts (2 of 4 stars). 9 submissions from 9 submitters: Likely benign (8). 1 of the submissions does not count toward it. Last evaluated 2026-08-01.

Conditions:
PFKM-related disorder. Also called: PFKM-related condition.
Glycogen storage disease, type VII (GSD7). Also called: PFKM DEFICIENCY; TARUI DISEASE; GSD VII; MUSCLE PHOSPHOFRUCTOKINASE DEFICIENCY. Identifiers: Orphanet 371, MedGen C0017926, MONDO:0009295, OMIM 232800.

Allele frequency attached by ClinVar (database versions not stated): 1000 Genomes Project 0.00140; 1000 Genomes Project 30x 0.00141; ExAC 0.00208; gnomAD exomes 0.00212; ESP Exome Variant Server 0.00223; gnomAD 0.00229 and 0.00243; TOPMed 0.00229.
gnomAD v4.1: 5,474 of 1,614,022 alleles (0.34%); highest among the groups gnomAD compares: Non-Finnish European, 0.41%; 14 homozygotes.

Submissions (9):

CeGaT Center for Human Genetics Tuebingen
Classification: Likely benign. Last evaluated: 2026-08-01. Review status: criteria provided, single submitter. Criteria: CeGaT Center For Human Genetics Tuebingen Variant Classification Criteria Version 2. Collection method: clinical testing. Allele origin: germline. Affected: yes. Observed: 9 variant alleles.
Comment: PFKM: PP2, BS2

ARUP Laboratories, Molecular Genetics and Genomics, ARUP Laboratories
Classification: Likely benign for Glycogen storage disease, type VII. Last evaluated: 2025-06-05. Review status: criteria provided, single submitter. Criteria: ARUP Molecular Germline Variant Investigation Process 2024. Collection method: clinical testing. Allele origin: germline.

Mayo Clinic Laboratories, Mayo Clinic
Classification: Likely benign. Last evaluated: 2025-05-14. Review status: criteria provided, single submitter. Criteria: ACMG Guidelines, 2015. Collection method: clinical testing. Allele origin: germline. Observed: 4 variant alleles.
Comment: BS1

Blueprint Genetics
Classification: Likely benign. Last evaluated: 2024-11-27. Review status: criteria provided, single submitter. Criteria: ACMG Guidelines, 2015. Collection method: clinical testing. Allele origin: germline.

GeneDx
Classification: Likely benign. Last evaluated: 2021-08-13. Review status: criteria provided, single submitter. Criteria: GeneDx Variant Classification Process June 2021. Collection method: clinical testing. Allele origin: germline. Affected: yes.

Labcorp Genetics (formerly Invitae), Labcorp
Classification: Likely benign for Glycogen storage disease, type VII. Last evaluated: 2019-12-31. Review status: criteria provided, single submitter. Criteria: Invitae Variant Classification Sherloc (09022015). Collection method: clinical testing. Allele origin: germline.

Illumina Laboratory Services, Illumina
Classification: Likely benign for Glycogen storage disease, type VII. Last evaluated: 2017-05-08. Review status: criteria provided, single submitter. Criteria: ICSL Variant Classification Criteria 13 December 2019. Collection method: clinical testing. Allele origin: germline.
Comment: This variant was observed as part of a predisposition screen in an ostensibly healthy population. A literature search was performed for the gene, cDNA change, and amino acid change (where applicable). No publications were found based on this search. Allele frequency data from public databases allowed determination this variant is unlikely to cause disease. Therefore, this variant is classified as likely benign.

Breakthrough Genomics
Classification: Likely benign. Review status: criteria provided, single submitter. Criteria: ACMG Guidelines, 2015. Collection method: not provided. Allele origin: germline. Inheritance: Autosomal recessive inheritance. Affected: yes.

PreventionGenetics, part of Exact Sciences
Classification: Likely benign for PFKM-related condition. Last evaluated: 2020-07-28. Review status: no assertion criteria provided. Collection method: clinical testing. Allele origin: germline. Not counted in ClinVar's aggregate classification.
Comment: This variant is classified as likely benign based on ACMG/AMP sequence variant interpretation guidelines (Richards et al. 2015 PMID: 25741868, with internal and published modifications).

NM_000289.6(PFKM):c.1339C>A (p.Gln447Lys)

Gene: PFKM (phosphofructokinase, muscle; plus strand). Cytogenetic location: 12q13.11.
Variant type: single nucleotide variant.
Coding change: c.1339C>A on transcript NM_000289.6 (MANE Select); coding-DNA position 1339, C replaced by A.
Protein change: p.Gln447Lys; replaces glutamine 447 with lysine.
Molecular consequence: missense variant. On other transcripts: non-coding transcript variant (6).
Genome position (GRCh38, 1-based): chr12:48,140,869, C>A. VCF-style: chr12-48140869-C-A. GRCh37 (hg19) VCF-style: chr12-48534652-C-A.
Other names: c.1552C>A, p.Gln518Lys (NM_001166686.2, NM_001354737.1, NM_001354738.1 and 1 more transcripts); c.1339C>A, p.Gln447Lys (NM_001354743.2, NM_001354744.2, NM_001166687.2 and 2 more transcripts); c.1252C>A, p.Gln418Lys (NM_001354745.2); c.1213C>A, p.Gln405Lys (NM_001354746.2); c.1189C>A, p.Gln397Lys (NM_001354747.2, NM_001354748.2); c.1246C>A, p.Gln416Lys (NM_001363619.2); c.1648C>A, p.Gln550Lys (NM_001354735.1, NM_001354736.1); c.1483C>A, p.Gln495Lys (NM_001354740.1); and 1 more; short protein forms Q447K, Q397K, Q550K, Q418K, Q455K, Q416K, Q495K, Q405K.
Identifiers: ClinVar variation 618271 (VCV000618271.48), dbSNP rs145040928, ClinGen allele CA6537312.